The following is an entry in ClinVar:

ClinVar aggregate classification (germline): Uncertain significance (1 of 4 stars; one submission).

Conditions:
Episodic kinesigenic dyskinesia (EKD). Also called: Paroxysmal kinesigenic dyskinesia. Identifiers: Orphanet 98809, MedGen C1868682, MONDO:0044202.

Submission:

Labcorp Genetics (formerly Invitae), Labcorp
Classification: Uncertain significance for Episodic kinesigenic dyskinesia. Last evaluated: 2025-06-10. Review status: criteria provided, single submitter. Criteria: Invitae Variant Classification Sherloc (09022015). Collection method: clinical testing. Allele origin: germline.
Comment: This sequence change falls in intron 2 of the PRRT2 gene. It does not directly change the encoded amino acid sequence of the PRRT2 protein. This variant is not present in population databases (gnomAD no frequency). This variant has not been reported in the literature in individuals affected with PRRT2-related conditions. Algorithms developed to predict the effect of sequence changes on RNA splicing suggest that this variant may disrupt the consensus splice site. In summary, the available evidence is currently insufficient to determine the role of this variant in disease. Therefore, it has been classified as a Variant of Uncertain Significance.

NM_145239.3(PRRT2):c.880-11C>A

Genes: MVP-DT (MVP divergent transcript; minus strand), PRRT2 (proline rich transmembrane protein 2; plus strand). Cytogenetic location: 16p11.2.
Variant type: single nucleotide variant.
Coding change: c.880-11C>A on transcript NM_145239.3 (MANE Select); 11 bases into the intron before coding-DNA position 880, C replaced by A.
Molecular consequence: intron variant. On other transcripts: 3 prime UTR variant (2).
Genome position (GRCh38, 1-based): chr16:29,814,322, C>A. VCF-style: chr16-29814322-C-A. GRCh37 (hg19) VCF-style: chr16-29825643-C-A.
Other names: c.*368C>A (NM_001256443.2, NM_001438122.1); c.880-11C>A (NM_001438121.1, NM_001438120.1, NM_001256442.2).
Identifiers: ClinVar variation 4776669 (VCV004776669.1).